The following is an entry in ClinVar:

ClinVar aggregate classification (germline): Pathogenic (1 of 4 stars; one submission).

Submission:

Labcorp Genetics (formerly Invitae), Labcorp
Classification: Pathogenic. Last evaluated: 2023-06-06. Review status: criteria provided, single submitter. Criteria: Invitae Variant Classification Sherloc (09022015). Collection method: clinical testing. Allele origin: germline.
Comment: This sequence change creates a premature translational stop signal (p.Lys104*) in the NDP gene. While this is not anticipated to result in nonsense mediated decay, it is expected to disrupt the last 30 amino acid(s) of the NDP protein. This variant is not present in population databases (gnomAD no frequency). This variant has not been reported in the literature in individuals affected with NDP-related conditions. This variant disrupts a region of the NDP protein in which other variant(s) (p.Cys131*) have been determined to be pathogenic (PMID: 25711638). This suggests that this is a clinically significant region of the protein, and that variants that disrupt it are likely to be disease-causing. For these reasons, this variant has been classified as Pathogenic.

Literature cited by the submitters: PubMed 25711638.

NM_000266.4(NDP):c.310A>T (p.Lys104Ter)

Genes: NDP (norrin cystine knot growth factor NDP; minus strand), NDP-AS1 (NDP antisense RNA 1; plus strand). Cytogenetic location: Xp11.3.
Variant type: single nucleotide variant.
Coding change: c.310A>T on transcript NM_000266.4 (MANE Select); coding-DNA position 310, A replaced by T.
Protein change: p.Lys104Ter; replaces lysine 104 with a stop codon.
Molecular consequence: nonsense. On other transcripts: non-coding transcript variant (1).
Genome position (GRCh38, 1-based): chrX:43,949,891, T>A on the plus strand (A>T on the coding strand, the complement: NDP is on the minus strand). VCF-style: chrX-43949891-T-A. GRCh37 (hg19) VCF-style: chrX-43809137-T-A.
Other names: short protein forms K104*.
Identifiers: ClinVar variation 2693748 (VCV002693748.3), dbSNP rs2519314939, ClinGen allele CA413007453.